The following is an entry in ClinVar:

NM_002528.7(NTHL1):c.445dup (p.Arg149fs)

Gene: NTHL1 (nth like DNA glycosylase 1; minus strand). Cytogenetic location: 16p13.3.
Variant type: Duplication.
Coding change: c.445dup on transcript NM_002528.7 (MANE Select); coding-DNA position 445, one base duplicated (C; older notation c.445dupC).
Protein change: p.Arg149fs; shifts the reading frame from arginine 149.
Molecular consequence: frameshift variant. On other transcripts: intron variant (1).
Genome position (GRCh38, 1-based): chr16:2,044,710, G duplicated on the plus strand (C on the coding strand, the reverse complement: NTHL1 is on the minus strand). VCF-style (leftmost placement, unchanged base first): chr16-2044709-C-CG. GRCh37 (hg19) VCF-style: chr16-2094710-C-CG.
Other names: c.115dup, p.Arg39fs (NM_001318194.2); c.355-984dup (NM_001318193.2); short protein forms R39fs, R149fs.
Identifiers: ClinVar variation 825108 (VCV000825108.7), dbSNP rs1596220365, ClinGen allele CA915946194.
Genomic context (GRCh38, chr16:2,044,709, plus strand): 5'-TAGATGAGCTTGCCCAGCGTGGCATCATCTGTCTGCAGGATGCTGTCCACCGTCAGGCCC[C>CG]GCGCCCGCAGTCGCTGCATGGCGCCCGCCGTCACCTGGTCTTTGGTTTGGCTGGAGAGCA-3'

ClinVar aggregate classification (germline): Pathogenic. Review status: criteria provided, multiple submitters, no conflicts (2 of 4 stars). 2 submissions from 2 submitters: Pathogenic (2). Last evaluated 2023-09-03.

Conditions:
Hereditary cancer-predisposing syndrome. Also called: Neoplastic Syndromes, Hereditary; Tumor predisposition; Hereditary neoplastic syndrome; Hereditary Cancer Syndrome. Identifiers: Orphanet 140162, MedGen C0027672, MeSH D009386, MONDO:0015356.

Submissions (2):

Labcorp Genetics (formerly Invitae), Labcorp
Classification: Pathogenic. Last evaluated: 2023-09-03. Review status: criteria provided, single submitter. Criteria: Invitae Variant Classification Sherloc (09022015). Collection method: clinical testing. Allele origin: germline.
Comment: This variant is not present in population databases (gnomAD no frequency). This sequence change creates a premature translational stop signal (p.Arg157Profs*13) in the NTHL1 gene. It is expected to result in an absent or disrupted protein product. Loss-of-function variants in NTHL1 are known to be pathogenic (PMID: 25938944, 26559593). This variant has not been reported in the literature in individuals affected with NTHL1-related conditions. For these reasons, this variant has been classified as Pathogenic. ClinVar contains an entry for this variant (Variation ID: 825108).

Ambry Genetics
Classification: Pathogenic for Hereditary cancer-predisposing syndrome. Last evaluated: 2019-03-28. Review status: criteria provided, single submitter. Criteria: Ambry Variant Classification Scheme 2023. Collection method: clinical testing. Allele origin: germline.
Comment: The c.469dupC pathogenic mutation, located in coding exon 3 of the NTHL1 gene, results from a duplication of C at nucleotide position 469, causing a translational frameshift with a predicted alternate stop codon (p.R157Pfs*13). This alteration is expected to result in loss of function by premature protein truncation or nonsense-mediated mRNA decay. As such, this alteration is interpreted as a disease-causing mutation.

Literature cited by the submitters: PubMed 25938944 (cited by Labcorp Genetics (formerly Invitae), Labcorp); PubMed 26559593 (cited by Labcorp Genetics (formerly Invitae), Labcorp).